The following is an entry in ClinVar:

NM_001205293.3(CACNA1E):c.6734G>A (p.Gly2245Asp)

Gene: CACNA1E (calcium voltage-gated channel subunit alpha1 E; plus strand). Cytogenetic location: 1q25.3.
Variant type: single nucleotide variant.
Coding change: c.6734G>A on transcript NM_001205293.3 (MANE Select); coding-DNA position 6734, G replaced by A.
Protein change: p.Gly2245Asp; replaces glycine 2245 with aspartic acid.
Molecular consequence: missense variant.
Genome position (GRCh38, 1-based): chr1:181,798,626, G>A. VCF-style: chr1-181798626-G-A. GRCh37 (hg19) VCF-style: chr1-181767762-G-A.
Other names: c.6605G>A, p.Gly2202Asp (NM_000721.4); c.6548G>A, p.Gly2183Asp (NM_001205294.2); short protein forms G2245D, G2183D, G2202D.
Identifiers: ClinVar variation 1956197 (VCV001956197.5), dbSNP rs760290666, ClinGen allele CA1276485.

ClinVar aggregate classification (germline): Uncertain significance (1 of 4 stars; one submission).

Allele frequency attached by ClinVar (database versions not stated): ExAC 0.00001.
gnomAD v4.1: 17 of 1,612,106 alleles (0.0011%); highest among the groups gnomAD compares: Non-Finnish European, 0.0014%; no homozygotes.

Submission:

Labcorp Genetics (formerly Invitae), Labcorp
Classification: Uncertain significance. Last evaluated: 2022-01-18. Review status: criteria provided, single submitter. Criteria: Invitae Variant Classification Sherloc (09022015). Collection method: clinical testing. Allele origin: germline.
Comment: This variant has not been reported in the literature in individuals affected with CACNA1E-related conditions. Advanced modeling of protein sequence and biophysical properties (such as structural, functional, and spatial information, amino acid conservation, physicochemical variation, residue mobility, and thermodynamic stability) performed at Invitae indicates that this missense variant is not expected to disrupt CACNA1E protein function. In summary, the available evidence is currently insufficient to determine the role of this variant in disease. Therefore, it has been classified as a Variant of Uncertain Significance. This sequence change replaces glycine, which is neutral and non-polar, with aspartic acid, which is acidic and polar, at codon 2202 of the CACNA1E protein (p.Gly2202Asp). This variant is present in population databases (rs760290666, gnomAD 0.0009%).